The following is an entry in ClinVar:

NM_025009.5(CEP135):c.754C>T (p.Arg252Trp)

Gene: CEP135 (centrosomal protein 135; plus strand). Cytogenetic location: 4q12.
Variant type: single nucleotide variant.
Coding change: c.754C>T on transcript NM_025009.5 (MANE Select); coding-DNA position 754, C replaced by T.
Protein change: p.Arg252Trp; replaces arginine 252 with tryptophan.
Molecular consequence: missense variant.
Genome position (GRCh38, 1-based): chr4:55,964,328, C>T. VCF-style: chr4-55964328-C-T. GRCh37 (hg19) VCF-style: chr4-56830494-C-T.
Other names: c.754C>T (NM_025009.3); short protein forms R252W.
Identifiers: ClinVar variation 1308704 (VCV001308704.9), dbSNP rs770607966, ClinGen allele CA2927663.

ClinVar aggregate classification (germline): Uncertain significance. Review status: criteria provided, multiple submitters, no conflicts (2 of 4 stars). 4 submissions from 4 submitters: Uncertain significance (4). Last evaluated 2024-03-19.

Conditions:
Inborn genetic diseases. Identifiers: MedGen C0950123, MeSH D030342.

Allele frequency attached by ClinVar (database versions not stated): ExAC 0.00001; gnomAD 0.00001; gnomAD exomes 0.00001; TOPMed 0.00001.
gnomAD v4.1: 17 of 1,613,022 alleles (0.0011%); highest among the groups gnomAD compares: African/African-American, 0.004%; no homozygotes.

Submissions (4):

Ambry Genetics
Classification: Uncertain significance for Inborn genetic diseases. Last evaluated: 2024-03-19. Review status: criteria provided, single submitter. Criteria: Ambry Variant Classification Scheme 2023. Collection method: clinical testing. Allele origin: germline.

Labcorp Genetics (formerly Invitae), Labcorp
Classification: Uncertain significance. Last evaluated: 2022-07-05. Review status: criteria provided, single submitter. Criteria: Invitae Variant Classification Sherloc (09022015). Collection method: clinical testing. Allele origin: germline.
Comment: In summary, the available evidence is currently insufficient to determine the role of this variant in disease. Therefore, it has been classified as a Variant of Uncertain Significance. Algorithms developed to predict the effect of missense changes on protein structure and function are either unavailable or do not agree on the potential impact of this missense change (SIFT: "Deleterious"; PolyPhen-2: "Probably Damaging"; Align-GVGD: "Class C0"). ClinVar contains an entry for this variant (Variation ID: 1308704). This variant has not been reported in the literature in individuals affected with CEP135-related conditions. This variant is present in population databases (rs770607966, gnomAD 0.007%). This sequence change replaces arginine, which is basic and polar, with tryptophan, which is neutral and slightly polar, at codon 252 of the CEP135 protein (p.Arg252Trp).

GeneDx
Classification: Uncertain significance. Last evaluated: 2019-09-30. Review status: criteria provided, single submitter. Criteria: GeneDx Variant Classification Process June 2021. Collection method: clinical testing. Allele origin: germline. Affected: yes.
Comment: Not observed at a significant frequency in large population cohorts (Lek et al., 2016); In silico analysis, which includes protein predictors and evolutionary conservation, supports a deleterious effect; Has not been previously published as pathogenic or benign to our knowledge

Breakthrough Genomics
Classification: Uncertain significance. Review status: criteria provided, single submitter. Criteria: ACMG Guidelines, 2015. Collection method: not provided. Allele origin: germline. Inheritance: Autosomal recessive inheritance. Affected: yes.